The following is an entry in ClinVar:

ClinVar aggregate classification (germline): Likely benign. Review status: criteria provided, multiple submitters, no conflicts (2 of 4 stars). 3 submissions from 3 submitters: Likely benign (3). Last evaluated 2026-06-04.

Conditions:
SCN11A-related disorder. Also called: SCN11A-related condition.
Inborn genetic diseases. Identifiers: MedGen C0950123, MeSH D030342.
Hereditary sensory and autonomic neuropathy type 7. Also called: Neuropathy, hereditary sensory and autonomic, type VII; HSAN VII. Identifiers: Orphanet 391397, MedGen C3809882, MONDO:0014244, OMIM 615548.
Familial episodic pain syndrome with predominantly lower limb involvement. Also called: Episodic pain syndrome, familial, 3. Identifiers: Orphanet 391384, Orphanet 391392, MedGen C3809899, MONDO:0014247, OMIM 615552.

Allele frequency attached by ClinVar (database versions not stated): gnomAD 0.00008 and 0.00009; TOPMed 0.00011; ExAC 0.00014; 1000 Genomes Project 0.00060; 1000 Genomes Project 30x 0.00094.
gnomAD v4.1: 72 of 1,612,886 alleles (0.0045%); highest among the groups gnomAD compares: Admixed American, 0.058%; 1 homozygote.

Submissions (3):

PreventionGenetics, part of Exact Sciences
Classification: Likely benign for SCN11A-related condition. Last evaluated: 2026-06-04. Review status: criteria provided, single submitter. Criteria: ACMG Guidelines, 2015. Collection method: clinical testing. Allele origin: germline.
Comment: This variant is classified as likely benign based on ACMG/AMP sequence variant interpretation guidelines (Richards et al. 2015 PMID: 25741868, with internal and published modifications).

Labcorp Genetics (formerly Invitae), Labcorp
Classification: Likely benign for Familial episodic pain syndrome with predominantly lower limb involvement; Hereditary sensory and autonomic neuropathy type 7. Last evaluated: 2026-01-19. Review status: criteria provided, single submitter. Criteria: Invitae Variant Classification Sherloc (09022015). Collection method: clinical testing. Allele origin: germline.

Ambry Genetics
Classification: Likely benign for Inborn genetic diseases. Last evaluated: 2022-06-09. Review status: criteria provided, single submitter. Criteria: Ambry Variant Classification Scheme 2023. Collection method: clinical testing. Allele origin: germline.

NM_001349253.2(SCN11A):c.3865G>A (p.Val1289Ile)

Gene: SCN11A (sodium voltage-gated channel alpha subunit 11; minus strand). Cytogenetic location: 3p22.2.
Variant type: single nucleotide variant.
Coding change: c.3865G>A on transcript NM_001349253.2 (MANE Select); coding-DNA position 3865, G replaced by A.
Protein change: p.Val1289Ile; replaces valine 1289 with isoleucine.
Molecular consequence: missense variant.
Genome position (GRCh38, 1-based): chr3:38,867,407, C>T on the plus strand (G>A on the coding strand, the complement: SCN11A is on the minus strand). VCF-style: chr3-38867407-C-T. GRCh37 (hg19) VCF-style: chr3-38908898-C-T.
Other names: c.3865G>A, p.Val1289Ile (NM_014139.3); short protein forms V1289I.
Identifiers: ClinVar variation 541592 (VCV000541592.13), dbSNP rs536925812, ClinGen allele CA2321670.
Genomic context (GRCh38, chr3:38,867,407, plus strand): 5'-CAATGATAACGCCAATGAAGAGATTCAGAGTGAAGAATGAGCCAAAGATGATAAAGACTA[C>T]GAAGTAAATGTAACCGAGTGAATTGCTCTCAAACTCTGGCTGTTGTTCTTTCTGTTAGAA-3'
Protein context (NP_001336182.1, residues 1279-1299): ESNSLGYIYF[Val1289Ile]VFIIFGSFFT